The following is an entry in ClinVar:

ClinVar aggregate classification (germline): Likely pathogenic (1 of 4 stars; one submission).

Conditions:
X-linked Alport syndrome (ATS1). Also called: COL4A5-Related Nephropathy; NEPHROPATHY AND DEAFNESS, X-LINKED. Identifiers: Orphanet 63, Orphanet 88917, MedGen C4746986, MONDO:0010520, OMIM 301050.

Submission:

MVZ Medizinische Genetik Mainz
Classification: Likely pathogenic for X-linked Alport syndrome. Last evaluated: 2024-08-23. Review status: criteria provided, single submitter. Criteria: UK Practice Guidelines For Variant Classification V4 01 2020. Collection method: clinical testing. Allele origin: germline. Inheritance: X-linked dominant inheritance. Affected: yes. Observed: 1 variant allele.
Comment: ACMG Criteria: PM1_STR,PM5,PM2_SUP,PP3,PP4

NM_033380.3(COL4A5):c.3703G>A (p.Gly1235Ser)

Gene: COL4A5 (collagen type IV alpha 5 chain; plus strand). Cytogenetic location: Xq22.3.
Variant type: single nucleotide variant.
Coding change: c.3703G>A on transcript NM_033380.3 (MANE Select); coding-DNA position 3703, G replaced by A.
Protein change: p.Gly1235Ser; replaces glycine 1235 with serine.
Molecular consequence: missense variant.
Genome position (GRCh38, 1-based): chrX:108,668,417, G>A. VCF-style: chrX-108668417-G-A. GRCh37 (hg19) VCF-style: chrX-107911647-G-A.
Other names: c.3703G>A, p.Gly1235Ser (NM_000495.5); short protein forms G1235S.
Identifiers: ClinVar variation 3342298 (VCV003342298.1).